The following is an entry in ClinVar:

NM_182914.3(SYNE2):c.19016G>A (p.Arg6339Lys)

Gene: SYNE2 (spectrin repeat containing nuclear envelope protein 2; plus strand). Cytogenetic location: 14q23.2.
Variant type: single nucleotide variant.
Coding change: c.19016G>A on transcript NM_182914.3 (MANE Select); coding-DNA position 19016, G replaced by A.
Protein change: p.Arg6339Lys; replaces arginine 6339 with lysine.
Molecular consequence: missense variant.
Genome position (GRCh38, 1-based): chr14:64,212,965, G>A. VCF-style: chr14-64212965-G-A. GRCh37 (hg19) VCF-style: chr14-64679683-G-A.
Other names: c.19016G>A, p.Arg6339Lys (NM_015180.6); short protein forms R6339K.
Identifiers: ClinVar variation 1952592 (VCV001952592.5), dbSNP rs1407051010, ClinGen allele CA389954751.

ClinVar aggregate classification (germline): Uncertain significance (1 of 4 stars; one submission).

Conditions:
Emery-Dreifuss muscular dystrophy 5, autosomal dominant (EDMD5). Also called: EMERY-DREIFUSS MUSCULAR DYSTROPHY 5. Identifiers: Orphanet 261, MedGen C2751805, MONDO:0013072, OMIM 612999.

Allele frequency attached by ClinVar (database versions not stated): gnomAD 0.00001.
gnomAD v4.1: 1 of 1,613,964 alleles (0.000062%); highest among the groups gnomAD compares: Non-Finnish European, 0.000085%; no homozygotes.

Submission:

Labcorp Genetics (formerly Invitae), Labcorp
Classification: Uncertain significance for Emery-Dreifuss muscular dystrophy 5, autosomal dominant. Last evaluated: 2022-03-04. Review status: criteria provided, single submitter. Criteria: Invitae Variant Classification Sherloc (09022015). Collection method: clinical testing. Allele origin: germline.
Comment: In summary, the available evidence is currently insufficient to determine the role of this variant in disease. Therefore, it has been classified as a Variant of Uncertain Significance. Algorithms developed to predict the effect of missense changes on protein structure and function are either unavailable or do not agree on the potential impact of this missense change (SIFT: "Tolerated"; PolyPhen-2: "Possibly Damaging"; Align-GVGD: "Class C0"). This variant has not been reported in the literature in individuals affected with SYNE2-related conditions. This variant is present in population databases (no rsID available, gnomAD 0.007%). This sequence change replaces arginine, which is basic and polar, with lysine, which is basic and polar, at codon 6339 of the SYNE2 protein (p.Arg6339Lys).